The following is an entry in ClinVar:

ClinVar aggregate classification (germline): Uncertain significance (1 of 4 stars; one submission).

gnomAD v4.1: 3 of 1,614,208 alleles (0.00019%); highest among the groups gnomAD compares: Non-Finnish European, 0.00017%; no homozygotes.

Submission:

Labcorp Genetics (formerly Invitae), Labcorp
Classification: Uncertain significance. Last evaluated: 2025-03-31. Review status: criteria provided, single submitter. Criteria: Invitae Variant Classification Sherloc (09022015). Collection method: clinical testing. Allele origin: germline.
Comment: This sequence change replaces isoleucine, which is neutral and non-polar, with valine, which is neutral and non-polar, at codon 690 of the TNNI3K protein (p.Ile690Val). This variant is not present in population databases (gnomAD no frequency). This variant has not been reported in the literature in individuals affected with TNNI3K-related conditions. Invitae Evidence Modeling of protein sequence and biophysical properties (such as structural, functional, and spatial information, amino acid conservation, physicochemical variation, residue mobility, and thermodynamic stability) indicates that this missense variant is not expected to disrupt TNNI3K protein function with a negative predictive value of 80%. In summary, the available evidence is currently insufficient to determine the role of this variant in disease. Therefore, it has been classified as a Variant of Uncertain Significance.

NM_015978.3(TNNI3K):c.2068A>G (p.Ile690Val)

Genes: TNNI3K (TNNI3 interacting kinase; plus strand), FPGT-TNNI3K (FPGT-TNNI3K readthrough; plus strand). Cytogenetic location: 1p31.1.
Variant type: single nucleotide variant.
Coding change: c.2068A>G on transcript NM_015978.3 (MANE Select); coding-DNA position 2068, A replaced by G.
Protein change: p.Ile690Val; replaces isoleucine 690 with valine.
Molecular consequence: missense variant.
Genome position (GRCh38, 1-based): chr1:74,463,497, A>G. VCF-style: chr1-74463497-A-G. GRCh37 (hg19) VCF-style: chr1-74929181-A-G.
Other names: c.2371A>G, p.Ile791Val (NM_001112808.3, NM_001199327.2); short protein forms I690V, I791V.
Identifiers: ClinVar variation 4740427 (VCV004740427.1).